The following is an entry in ClinVar:

ClinVar aggregate classification (germline): Likely pathogenic (1 of 4 stars; one submission).

Conditions:
Dilated cardiomyopathy 1G (CMD1G). Identifiers: Orphanet 154, MedGen C1858763, MONDO:0011400, OMIM 604145.
Autosomal recessive limb-girdle muscular dystrophy type 2J (LGMDR10). Also called: Limb-girdle muscular dystrophy, type 2J; MUSCULAR DYSTROPHY, LIMB-GIRDLE, AUTOSOMAL RECESSIVE 10. Identifiers: Orphanet 140922, MedGen C1837342, MONDO:0012127, OMIM 608807.

gnomAD v4.1: 1 of 1,612,816 alleles (0.000062%); highest among the groups gnomAD compares: East Asian, 0.0022%; no homozygotes.

Submission:

Labcorp Genetics (formerly Invitae), Labcorp
Classification: Likely pathogenic for Dilated cardiomyopathy 1G; Autosomal recessive limb-girdle muscular dystrophy type 2J. Last evaluated: 2025-03-19. Review status: criteria provided, single submitter. Criteria: Invitae Variant Classification Sherloc (09022015). Collection method: clinical testing. Allele origin: germline.
Comment: This sequence change creates a premature translational stop signal (p.Gln20429*) in the TTN gene. While this is not anticipated to result in nonsense mediated decay, it is expected to create a truncated TTN protein. This variant is not present in population databases (gnomAD no frequency). This variant has not been reported in the literature in individuals affected with TTN-related conditions. This variant is located in the A band of TTN (PMID: 25589632). Truncating variants in this region are significantly overrepresented in patients affected with dilated cardiomyopathy (PMID: 25589632). Truncating variants in this region have also been reported in individuals affected with autosomal recessive centronuclear myopathy (PMID: 23975875). In summary, the currently available evidence indicates that the variant is pathogenic, but additional data are needed to prove that conclusively. Therefore, this variant has been classified as Likely Pathogenic.

Literature cited by the submitters: PubMed 25589632; PubMed 23975875.

NM_001267550.2(TTN):c.61285C>T (p.Gln20429Ter)

Genes: TTN-AS1 (TTN antisense RNA 1; plus strand), TTN (titin; minus strand). Cytogenetic location: 2q31.2.
Variant type: single nucleotide variant.
Coding change: c.61285C>T on transcript NM_001267550.2 (MANE Select); coding-DNA position 61285, C replaced by T.
Protein change: p.Gln20429Ter; replaces glutamine 20429 with a stop codon.
Molecular consequence: nonsense.
Genome position (GRCh38, 1-based): chr2:178,590,440, G>A on the plus strand (C>T on the coding strand, the complement: TTN is on the minus strand). VCF-style: chr2-178590440-G-A. GRCh37 (hg19) VCF-style: chr2-179455167-G-A.
Other names: c.56362C>T, p.Gln18788Ter (NM_001256850.1); c.34090C>T, p.Gln11364Ter (NM_003319.4); c.53581C>T, p.Gln17861Ter (NM_133378.4); c.34465C>T, p.Gln11489Ter (NM_133432.3); c.34666C>T, p.Gln11556Ter (NM_133437.4); short protein forms Q11489*, Q11556*, Q18788*, Q11364*, Q17861*, Q20429*.
Identifiers: ClinVar variation 4784476 (VCV004784476.1).